The following is an entry in ClinVar:

NM_018127.7(ELAC2):c.1080-326T>C

Gene: ELAC2 (elaC ribonuclease Z 2; minus strand). Cytogenetic location: 17p12.
Variant type: single nucleotide variant.
Coding change: c.1080-326T>C on transcript NM_018127.7 (MANE Select); 326 bases into the intron before coding-DNA position 1080, T replaced by C.
Molecular consequence: intron variant.
Genome position (GRCh38, 1-based): chr17:13,002,905, A>G on the plus strand (T>C on the coding strand, the complement: ELAC2 is on the minus strand). VCF-style: chr17-13002905-A-G. GRCh37 (hg19) VCF-style: chr17-12906222-A-G.
Other names: c.960-326T>C (NM_001165962.2); c.1080-326T>C (NM_173717.2).
Identifiers: ClinVar variation 683505 (VCV000683505.1), dbSNP rs58842254, ClinGen allele CA14490788.

ClinVar aggregate classification (germline): Benign (1 of 4 stars; one submission).

Allele frequency attached by ClinVar (database versions not stated): 1000 Genomes Project 0.25779; 1000 Genomes Project 30x 0.26015; TOPMed 0.27546; gnomAD 0.28402 and 0.28406.
gnomAD v4.1: 43,332 of 152,094 alleles (28%); highest among the groups gnomAD compares: South Asian, 35%; 6,270 homozygotes.

Submission:

GeneDx
Classification: Benign. Last evaluated: 2018-06-14. Review status: criteria provided, single submitter. Criteria: GeneDx Variant Classification (06012015). Collection method: clinical testing. Allele origin: germline. Affected: yes.
Comment: This variant is considered likely benign or benign based on one or more of the following criteria: it is a conservative change, it occurs at a poorly conserved position in the protein, it is predicted to be benign by multiple in silico algorithms, and/or has population frequency not consistent with disease.